The following is an entry in ClinVar:

ClinVar aggregate classification (germline): Conflicting classifications of pathogenicity. Review status: criteria provided, conflicting classifications (1 of 4 stars). 5 submissions from 5 submitters: Uncertain significance (4); Likely benign (1). Last evaluated 2025-12-16.

Conditions:
Craniosynostosis 7 (CRS7). Also called: CRANIOSYNOSTOSIS 7, DIGENIC; CRS7, DIGENIC. Identifiers: MedGen C4479496, MONDO:0044315, OMIM 617439.
SMAD6-related disease. Also called: SMAD6-related condition; SMAD6-related disorder. Identifiers: MedGen CN381596, MONDO:0700324.
Aortic valve disease 2 (AOVD2). Identifiers: MedGen C3542024, MONDO:0013902, OMIM 614823.

Allele frequency attached by ClinVar (database versions not stated): gnomAD exomes 0.00013 and 0.00024; gnomAD 0.00014 and 0.00015; ESP Exome Variant Server 0.00015; TOPMed 0.00018; ExAC 0.00039.
gnomAD v4.1: 365 of 1,580,110 alleles (0.023%); highest among the groups gnomAD compares: Non-Finnish European, 0.028%; 1 homozygote.

Submissions (5):

Labcorp Genetics (formerly Invitae), Labcorp
Classification: Uncertain significance for Aortic valve disease 2. Last evaluated: 2025-12-16. Review status: criteria provided, single submitter. Criteria: Invitae Variant Classification Sherloc (09022015). Collection method: clinical testing. Allele origin: germline.
Comment: This sequence change replaces alanine, which is neutral and non-polar, with threonine, which is neutral and polar, at codon 325 of the SMAD6 protein (p.Ala325Thr). This variant is present in population databases (rs199822239, gnomAD 0.03%), and has an allele count higher than expected for a pathogenic variant. This missense change has been observed in individual(s) with congenital cardiovascular malformation (PMID: 22275001). ClinVar contains an entry for this variant (Variation ID: 405517). Invitae Evidence Modeling of protein sequence and biophysical properties (such as structural, functional, and spatial information, amino acid conservation, physicochemical variation, residue mobility, and thermodynamic stability) indicates that this missense variant is not expected to disrupt SMAD6 protein function with a negative predictive value of 80%. Experimental studies have shown that this missense change does not substantially affect SMAD6 function (PMID: 22275001, 32499606, 38290823). In summary, the available evidence is currently insufficient to determine the role of this variant in disease. Therefore, it has been classified as a Variant of Uncertain Significance.

Mayo Clinic Laboratories, Mayo Clinic
Classification: Likely benign. Last evaluated: 2024-12-30. Review status: criteria provided, single submitter. Criteria: ACMG Guidelines, 2015. Collection method: clinical testing. Allele origin: germline. Observed: 1 variant allele.
Comment: BS1_supporting, BS3_supporting

PreventionGenetics, part of Exact Sciences
Classification: Uncertain significance for SMAD6-related condition. Last evaluated: 2023-09-24. Review status: criteria provided, single submitter. Criteria: ACMG Guidelines, 2015. Collection method: clinical testing. Allele origin: germline.
Comment: The SMAD6 c.973G>A variant is predicted to result in the amino acid substitution p.Ala325Thr. This variant was reported in an individual with congenital mitral regurgitation (Tan et al. 2012. PubMed ID: 22275001). Functional studies showed that this variant does not significantly affect protein function (Tan et al. 2012. PubMed ID: 22275001; Calpena et al. 2020. PubMed ID: 32499606). This variant is reported in 0.027% of alleles in individuals of European (Non-Finnish) descent in gnomAD. Although we suspect that this variant may be benign, at this time, the clinical significance of this variant is uncertain due to the absence of conclusive functional and genetic evidence.

GeneDx
Classification: Uncertain significance. Last evaluated: 2023-09-02. Review status: criteria provided, single submitter. Criteria: GeneDx Variant Classification Process June 2021. Collection method: clinical testing. Allele origin: germline. Affected: yes.
Comment: In silico analysis supports that this missense variant does not alter protein structure/function; Observed in an individual with congenital mitral regurgitation (Tan et al., 2012); This variant is associated with the following publications: (PMID: 32499606, 22275001)

Laboratorio de Genetica e Diagnostico Molecular, Hospital Israelita Albert Einstein
Classification: Uncertain significance for Craniosynostosis 7. Last evaluated: 2021-11-30. Review status: criteria provided, single submitter. Criteria: ACMG Guidelines, 2015. Collection method: clinical testing. Allele origin: germline. Affected: yes.
Comment: ACMG classification criteria: BP4 supporting

Literature cited by the submitters: PubMed 22275001 (cited by Labcorp Genetics (formerly Invitae), Labcorp and Mayo Clinic Laboratories, Mayo Clinic); PubMed 32499606 (cited by Labcorp Genetics (formerly Invitae), Labcorp and Mayo Clinic Laboratories, Mayo Clinic); PubMed 38290823 (cited by Labcorp Genetics (formerly Invitae), Labcorp).

NM_005585.5(SMAD6):c.973G>A (p.Ala325Thr)

Gene: SMAD6 (SMAD family member 6; plus strand). Cytogenetic location: 15q22.31.
Variant type: single nucleotide variant.
Coding change: c.973G>A on transcript NM_005585.5 (MANE Select); coding-DNA position 973, G replaced by A.
Protein change: p.Ala325Thr; replaces alanine 325 with threonine.
Molecular consequence: missense variant. On other transcripts: non-coding transcript variant (1).
Genome position (GRCh38, 1-based): chr15:66,781,017, G>A. VCF-style: chr15-66781017-G-A. GRCh37 (hg19) VCF-style: chr15-67073355-G-A.
Other names: p.Ala325Thr; short protein forms A325T.
Identifiers: ClinVar variation 405517 (VCV000405517.12), dbSNP rs199822239, ClinGen allele CA7626698.